The following is an entry in ClinVar:

NM_001330260.2(SCN8A):c.833G>A (p.Arg278Gln)

Gene: SCN8A (sodium voltage-gated channel alpha subunit 8; plus strand). Cytogenetic location: 12q13.13.
Variant type: single nucleotide variant.
Coding change: c.833G>A on transcript NM_001330260.2 (MANE Select); coding-DNA position 833, G replaced by A.
Protein change: p.Arg278Gln; replaces arginine 278 with glutamine.
Molecular consequence: missense variant.
Genome position (GRCh38, 1-based): chr12:51,699,696, G>A. VCF-style: chr12-51699696-G-A. GRCh37 (hg19) VCF-style: chr12-52093480-G-A.
Other names: c.833G>A (NM_014191.2); c.833G>A, p.Arg278Gln (NM_001177984.3, NM_001369788.1, NM_014191.4); short protein forms R278Q.
Identifiers: ClinVar variation 2894009 (VCV002894009.4), dbSNP rs1941651869, ClinGen allele CA385226620.
Genomic context (GRCh38, chr12:51,699,696, plus strand): 5'-CAGTGTTCTGCCTGAGTGTTTTTGCCTTGATCGGACTGCAGCTGTTCATGGGGAACCTTC[G>A]AAACAAGTGTGTTGTGTGGCCCATAAACTTCAACGAGAGCTATCTTGAAAATGGCACCAA-3'
Protein context (NP_001317189.1, residues 268-288): IGLQLFMGNL[Arg278Gln]NKCVVWPINF

ClinVar aggregate classification (germline): Uncertain significance. Review status: criteria provided, multiple submitters, no conflicts (2 of 4 stars). 2 submissions from 2 submitters: Uncertain significance (2). Last evaluated 2026-07-03.

Conditions:
Inborn genetic diseases. Identifiers: MedGen C0950123, MeSH D030342.
Early-infantile DEE. Also called: Early infantile epileptic encephalopathy with suppression bursts; Early infantile epileptic encephalopathy; Ohtahara syndrome. Identifiers: Orphanet 1934, MedGen C0393706, MONDO:0800491.

Allele frequency attached by ClinVar (database versions not stated): gnomAD exomes below 0.00001.
gnomAD v4.1: 4 of 1,613,918 alleles (0.00025%); highest among the groups gnomAD compares: Non-Finnish European, 0.00025%; no homozygotes.

Submissions (2):

Ambry Genetics
Classification: Uncertain significance for Inborn genetic diseases. Last evaluated: 2026-07-03. Review status: criteria provided, single submitter. Criteria: Ambry Variant Classification Scheme 2023. Collection method: clinical testing. Allele origin: germline.

Labcorp Genetics (formerly Invitae), Labcorp
Classification: Uncertain significance for Early-infantile DEE. Last evaluated: 2023-06-06. Review status: criteria provided, single submitter. Criteria: Invitae Variant Classification Sherloc (09022015). Collection method: clinical testing. Allele origin: germline.
Comment: This variant has not been reported in the literature in individuals affected with SCN8A-related conditions. Advanced modeling of protein sequence and biophysical properties (such as structural, functional, and spatial information, amino acid conservation, physicochemical variation, residue mobility, and thermodynamic stability) performed at Invitae indicates that this missense variant is expected to disrupt SCN8A protein function. In summary, the available evidence is currently insufficient to determine the role of this variant in disease. Therefore, it has been classified as a Variant of Uncertain Significance. This variant is not present in population databases (gnomAD no frequency). This sequence change replaces arginine, which is basic and polar, with glutamine, which is neutral and polar, at codon 278 of the SCN8A protein (p.Arg278Gln).